The following is an entry in ClinVar:

ClinVar aggregate classification (germline): Uncertain significance. Review status: criteria provided, multiple submitters, no conflicts (2 of 4 stars). 2 submissions from 2 submitters: Uncertain significance (2). Last evaluated 2026-09-14.

Conditions:
Familial adenomatous polyposis 1 (FAP1). Also called: FAMILIAL ADENOMATOUS POLYPOSIS 1, ATTENUATED; POLYPOSIS, ADENOMATOUS INTESTINAL. Identifiers: MedGen C2713442, MONDO:0021056, OMIM 175100. Disease mechanism: loss of function.
Hereditary cancer-predisposing syndrome. Also called: Tumor predisposition; Hereditary neoplastic syndrome; Neoplastic Syndromes, Hereditary; Hereditary Cancer Syndrome. Identifiers: Orphanet 140162, MedGen C0027672, MeSH D009386, MONDO:0015356.

gnomAD v4.1: 1 of 1,614,018 alleles (0.000062%); highest among the groups gnomAD compares: South Asian, 0.0011%; no homozygotes.

Submissions (2):

Ambry Genetics
Classification: Uncertain significance for Hereditary cancer-predisposing syndrome. Last evaluated: 2026-09-14. Review status: criteria provided, single submitter. Criteria: Ambry Variant Classification Scheme 2023. Collection method: clinical testing. Allele origin: germline.
Comment: The p.P981L variant (also known as c.2942C>T), located in coding exon 15 of the APC gene, results from a C to T substitution at nucleotide position 2942. The proline at codon 981 is replaced by leucine, an amino acid with similar properties. This amino acid position is highly conserved in available vertebrate species. In addition, in silico predictors for this gene do not accurately predict pathogenicity. Missense variants in APC are not a common cause of disease (Spier I et al. Genet Med. 2024 Feb;26(2):100992). Based on the available evidence, the clinical significance of this variant remains unclear.

Labcorp Genetics (formerly Invitae), Labcorp
Classification: Uncertain significance for Familial adenomatous polyposis 1. Last evaluated: 2019-12-13. Review status: criteria provided, single submitter. Criteria: Invitae Variant Classification Sherloc (09022015). Collection method: clinical testing. Allele origin: germline.
Comment: Algorithms developed to predict the effect of missense changes on protein structure and function are either unavailable or do not agree on the potential impact of this missense change (SIFT: "Deleterious"; PolyPhen-2: "Probably Damaging"; Align-GVGD: "Class C0"). This variant has not been reported in the literature in individuals with APC-related conditions. This variant is not present in population databases (ExAC no frequency). This sequence change replaces proline with leucine at codon 981 of the APC protein (p.Pro981Leu). The proline residue is highly conserved and there is a moderate physicochemical difference between proline and leucine. In summary, the available evidence is currently insufficient to determine the role of this variant in disease. Therefore, it has been classified as a Variant of Uncertain Significance.

NM_000038.6(APC):c.2942C>T (p.Pro981Leu)

Gene: APC (APC regulator of Wnt signaling pathway; plus strand). Cytogenetic location: 5q22.2.
Variant type: single nucleotide variant.
Coding change: c.2942C>T on transcript NM_000038.6 (MANE Select); coding-DNA position 2942, C replaced by T.
Protein change: p.Pro981Leu; replaces proline 981 with leucine.
Molecular consequence: missense variant.
Genome position (GRCh38, 1-based): chr5:112,838,536, C>T. VCF-style: chr5-112838536-C-T. GRCh37 (hg19) VCF-style: chr5-112174233-C-T.
Other names: c.2942C>T, p.Pro981Leu (NM_001127510.3, NM_001354895.2); c.2888C>T, p.Pro963Leu (NM_001127511.3); c.2996C>T, p.Pro999Leu (NM_001354896.2); c.2972C>T, p.Pro991Leu (NM_001354897.2); c.2867C>T, p.Pro956Leu (NM_001354898.2); c.2858C>T, p.Pro953Leu (NM_001354899.2); c.2819C>T, p.Pro940Leu (NM_001354900.2); c.2765C>T, p.Pro922Leu (NM_001354901.2); and 5 more; short protein forms P855L, P880L, P953L, P991L, P698L, P821L, P940L, P890L.
Identifiers: ClinVar variation 859264 (VCV000859264.50), dbSNP rs587779784, ClinGen allele CA16027762.